The following is an entry in ClinVar:

NM_012470.4(TNPO3):c.1782G>A (p.Lys594=)

Gene: TNPO3 (transportin 3; minus strand). Cytogenetic location: 7q32.1.
Variant type: single nucleotide variant.
Coding change: c.1782G>A on transcript NM_012470.4 (MANE Select); coding-DNA position 1782, G replaced by A.
Protein change: p.Lys594=; no amino-acid change (lysine 594 retained).
Molecular consequence: synonymous variant. On other transcripts: non-coding transcript variant (18).
Genome position (GRCh38, 1-based): chr7:128,984,168, C>T on the plus strand (G>A on the coding strand, the complement: TNPO3 is on the minus strand). VCF-style: chr7-128984168-C-T. GRCh37 (hg19) VCF-style: chr7-128624222-C-T.
Other names: c.1590G>A, p.Lys530= (NM_001191028.3, NM_001382223.1); c.1884G>A, p.Lys628= (NM_001382216.1); c.1863G>A, p.Lys621= (NM_001382217.1); c.1782G>A, p.Lys594= (NM_001382218.1, NM_001382220.1); c.1674G>A, p.Lys558= (NM_001382219.1); c.1638G>A, p.Lys546= (NM_001382221.1); c.1635G>A, p.Lys545= (NM_001382222.1).
Identifiers: ClinVar variation 290149 (VCV000290149.11), dbSNP rs886044359, ClinGen allele CA10606663.
Genomic context (GRCh38, chr7:128,984,168, plus strand): 5'-TTTCATTTTTAACATGTAAACATCTTATATTTGTTTCACACCTTCCTTAATTGGACTTAC[C>T]TTTTTCAATGCCATAACCTGAACAGAACATAGTTCACTAAGACATTCGGTAATCTTATCC-3'
Protein context (NP_036602.1, residues 584-604): LCSVQVMALK[Lys594=]LLSQEPSNGI

ClinVar aggregate classification (germline): Uncertain significance. Review status: criteria provided, multiple submitters, no conflicts (2 of 4 stars). 2 submissions from 2 submitters: Uncertain significance (2). Last evaluated 2025-11-16.

Conditions:
Autosomal dominant limb-girdle muscular dystrophy type 1F (LGMDD2). Also called: Limb-girdle muscular dystrophy, type 1F; MUSCULAR DYSTROPHY, LIMB-GIRDLE, AUTOSOMAL DOMINANT 2. Identifiers: Orphanet 55595, MedGen C1842062, MONDO:0012034, OMIM 608423.

gnomAD v4.1: 33 of 1,580,000 alleles (0.0021%); highest among the groups gnomAD compares: Non-Finnish European, 0.0023%; no homozygotes.

Submissions (2):

Labcorp Genetics (formerly Invitae), Labcorp
Classification: Uncertain significance for Autosomal dominant limb-girdle muscular dystrophy type 1F. Last evaluated: 2025-11-16. Review status: criteria provided, single submitter. Criteria: Invitae Variant Classification Sherloc (09022015). Collection method: clinical testing. Allele origin: germline.
Comment: This sequence change affects codon 594 of the TNPO3 mRNA. It is a 'silent' change, meaning that it does not change the encoded amino acid sequence of the TNPO3 protein. This variant also falls at the last nucleotide of exon 13, which is part of the consensus splice site for this exon. This variant is not present in population databases (gnomAD no frequency). This variant has not been reported in the literature in individuals affected with TNPO3-related conditions. ClinVar contains an entry for this variant (Variation ID: 290149). Variants that disrupt the consensus splice site are a relatively common cause of aberrant splicing (PMID: 17576681, 9536098). Algorithms developed to predict the effect of sequence changes on RNA splicing suggest that this variant is not likely to affect RNA splicing. In summary, the available evidence is currently insufficient to determine the role of this variant in disease. Therefore, it has been classified as a Variant of Uncertain Significance.

Eurofins Ntd Llc (ga)
Classification: Uncertain significance. Last evaluated: 2016-08-10. Review status: criteria provided, single submitter. Criteria: EGL Classification Definitions 2015. Collection method: clinical testing. Allele origin: germline. Observed: 1 variant allele, 1 heterozygote.

Literature cited by the submitters: PubMed 17576681 (cited by Labcorp Genetics (formerly Invitae), Labcorp); PubMed 9536098 (cited by Labcorp Genetics (formerly Invitae), Labcorp).